The following is an entry in ClinVar:

ClinVar aggregate classification (germline): Pathogenic (1 of 4 stars; one submission).

Conditions:
Nemaline myopathy 2 (NEM2). Also called: Nemaline myopathy 2, autosomal recessive. Identifiers: MedGen C1850569, MONDO:0009725, OMIM 256030.

Submission:

Myriad Genetics, Inc.
Classification: Pathogenic for Nemaline myopathy 2. Last evaluated: 2025-10-28. Review status: criteria provided, single submitter. Criteria: Myriad Autosomal Dominant, Autosomal Recessive and X-Linked Classification Criteria (2023). Collection method: clinical testing. Allele origin: unknown.
Comment: NM_001271208.1(NEB):c.20913delT(Q6972Kfs*10) is expected to be pathogenic in the context of NEB-related nemaline myopathy. This variant is predicted to lead to an abnormal or absent protein product due to the creation of a premature termination codon in NEB, a gene where loss-of-function variants are known to be pathogenic. Please note: this variant was assessed in the context of healthy population screening.

NM_001164508.2(NEB):c.20913del (p.Gln6972fs)

Gene: NEB (nebulin; minus strand). Cytogenetic location: 2q23.3.
Variant type: Deletion.
Coding change: c.20913del on transcript NM_001164508.2 (MANE Select); coding-DNA position 20913, one base deleted (T; older notation c.20913delT).
Protein change: p.Gln6972fs; shifts the reading frame from glutamine 6972.
Molecular consequence: frameshift variant.
Genome position (GRCh38, 1-based): chr2:151,538,224, A deleted on the plus strand (T on the coding strand, the reverse complement: NEB is on the minus strand); the first of 3 consecutive A bases (chr2:151,538,224-151,538,226); deleting any one gives the same sequence. VCF-style (leftmost placement, unchanged base first): chr2-151538223-GA-G. GRCh37 (hg19) VCF-style: chr2-152394737-GA-G.
Other names: c.20913del, p.Gln6972fs (NM_001164507.2, NM_001271208.2); c.15810del, p.Gln5271fs (NM_004543.5); short protein forms Q5271fs, Q6972fs.
Identifiers: ClinVar variation 5015149 (VCV005015149.1).